The following is an entry in ClinVar:

ClinVar aggregate classification (germline): Uncertain significance (1 of 4 stars; one submission).

Allele frequency attached by ClinVar (database versions not stated): TOPMed 0.00001.

Submission:

Labcorp Genetics (formerly Invitae), Labcorp
Classification: Uncertain significance. Last evaluated: 2023-11-15. Review status: criteria provided, single submitter. Criteria: Invitae Variant Classification Sherloc (09022015). Collection method: clinical testing. Allele origin: germline.
Comment: This sequence change replaces arginine, which is basic and polar, with tryptophan, which is neutral and slightly polar, at codon 177 of the CAD protein (p.Arg177Trp). This variant is not present in population databases (gnomAD no frequency). This variant has not been reported in the literature in individuals affected with CAD-related conditions. An algorithm developed to predict the effect of missense changes on protein structure and function (PolyPhen-2) suggests that this variant is likely to be disruptive. In summary, the available evidence is currently insufficient to determine the role of this variant in disease. Therefore, it has been classified as a Variant of Uncertain Significance.

NM_004341.5(CAD):c.529C>T (p.Arg177Trp)

Gene: CAD (carbamoyl-phosphate synthetase 2, aspartate transcarbamylase, and dihydroorotase; plus strand). Cytogenetic location: 2p23.3.
Variant type: single nucleotide variant.
Coding change: c.529C>T on transcript NM_004341.5 (MANE Select); coding-DNA position 529, C replaced by T.
Protein change: p.Arg177Trp; replaces arginine 177 with tryptophan.
Molecular consequence: missense variant.
Genome position (GRCh38, 1-based): chr2:27,222,552, C>T. VCF-style: chr2-27222552-C-T. GRCh37 (hg19) VCF-style: chr2-27445420-C-T.
Other names: c.529C>T, p.Arg177Trp (NM_001306079.2); short protein forms R177W.
Identifiers: ClinVar variation 2718651 (VCV002718651.1), dbSNP rs1675225857, ClinGen allele CA346199571.
Genomic context (GRCh38, chr2:27,222,552, plus strand): 5'-GTTGCCCTTTATTCGTCTATTTCTCAGACTCCACGGGTATTCAATACAGGGGGTGCCCCT[C>T]GGATCCTTGCTTTGGACTGTGGCCTCAAGTATAATCAGATCCGATGCCTCTGCCAGCGTG-3'
Protein context (NP_004332.2, residues 167-187): PRVFNTGGAP[Arg177Trp]ILALDCGLKY